The following is an entry in ClinVar:

NM_201596.3(CACNB2):c.1039A>G (p.Thr347Ala)

Gene: CACNB2 (calcium voltage-gated channel auxiliary subunit beta 2; plus strand). Cytogenetic location: 10p12.31.
Variant type: single nucleotide variant.
Coding change: c.1039A>G on transcript NM_201596.3 (MANE Select); coding-DNA position 1039, A replaced by G.
Protein change: p.Thr347Ala; replaces threonine 347 with alanine.
Molecular consequence: missense variant.
Genome position (GRCh38, 1-based): chr10:18,527,682, A>G. VCF-style: chr10-18527682-A-G. GRCh37 (hg19) VCF-style: chr10-18816611-A-G.
Other names: c.874A>G, p.Thr292Ala (NM_000724.4); c.841A>G, p.Thr281Ala (NM_001167945.2); c.760A>G, p.Thr254Ala (NM_001330060.2); c.781A>G, p.Thr261Ala (NM_001410882.1); c.895A>G, p.Thr299Ala (NM_201570.3); c.955A>G, p.Thr319Ala (NM_201571.4); c.883A>G, p.Thr295Ala (NM_201572.4); c.877A>G, p.Thr293Ala (NM_201590.3); and 2 more; short protein forms T261A, T292A, T299A, T319A, T347A, T254A, T293A, T323A.
Identifiers: ClinVar variation 1764625 (VCV001764625.2), dbSNP rs2052614737, ClinGen allele CA376065376.
Genomic context (GRCh38, chr10:18,527,682, plus strand): 5'-CTTGCCAAACGCTCGGTATTAAACAATCCCAGTAAGCACGCAATAATAGAAAGATCCAAC[A>G]CAAGGTCAAGCTTAGGTAAGTCTGTGCAATGAGCTTAAGCTTTTTAAACTCTCCTCTCCC-3'
Protein context (NP_963890.2, residues 337-357): SKHAIIERSN[Thr347Ala]RSSLAEVQSE

ClinVar aggregate classification (germline): Uncertain significance (1 of 4 stars; one submission).

Conditions:
Cardiovascular phenotype. Identifiers: MedGen CN230736.

Allele frequency attached by ClinVar (database versions not stated): gnomAD exomes below 0.00001; TOPMed below 0.00001.
gnomAD v4.1: 2 of 1,611,338 alleles (0.00012%); highest among the groups gnomAD compares: Non-Finnish European, 0.00017%; no homozygotes.

Submission:

Ambry Genetics
Classification: Uncertain significance for Cardiovascular phenotype. Last evaluated: 2021-10-06. Review status: criteria provided, single submitter. Criteria: Ambry Variant Classification Scheme 2023. Collection method: clinical testing. Allele origin: germline.
Comment: The p.T293A variant (also known as c.877A>G), located in coding exon 9 of the CACNB2 gene, results from an A to G substitution at nucleotide position 877. The threonine at codon 293 is replaced by alanine, an amino acid with similar properties. This amino acid position is conserved. In addition, this alteration is predicted to be tolerated by in silico analysis. Since supporting evidence is limited at this time, the clinical significance of this alteration remains unclear.